The following is an entry in ClinVar:

NM_033028.5(BBS4):c.435C>T (p.Tyr145=)

Gene: BBS4 (Bardet-Biedl syndrome 4; plus strand). Cytogenetic location: 15q24.1.
Variant type: single nucleotide variant.
Coding change: c.435C>T on transcript NM_033028.5 (MANE Select); coding-DNA position 435, C replaced by T.
Protein change: p.Tyr145=; no amino-acid change (tyrosine 145 retained).
Molecular consequence: synonymous variant. On other transcripts: 5 prime UTR variant (1), non-coding transcript variant (2).
Genome position (GRCh38, 1-based): chr15:72,722,823, C>T. VCF-style: chr15-72722823-C-T. GRCh37 (hg19) VCF-style: chr15-73015164-C-T.
Other names: c.-82C>T (NM_001252678.2); c.435C>T, p.Tyr145= (NM_001320665.2).
Identifiers: ClinVar variation 1925314 (VCV001925314.5), dbSNP rs1379874365, ClinGen allele CA491114205.

ClinVar aggregate classification (germline): Uncertain significance (1 of 4 stars; one submission).

Conditions:
Bardet-Biedl syndrome (BBS). Identifiers: Orphanet 110, MedGen C0752166, MONDO:0015229.

Allele frequency attached by ClinVar (database versions not stated): gnomAD exomes 0.00001.
gnomAD v4.1: 3 of 1,613,874 alleles (0.00019%); highest among the groups gnomAD compares: South Asian, 0.0033%; no homozygotes.

Submission:

Labcorp Genetics (formerly Invitae), Labcorp
Classification: Uncertain significance for Bardet-Biedl syndrome. Last evaluated: 2022-04-21. Review status: criteria provided, single submitter. Criteria: Invitae Variant Classification Sherloc (09022015). Collection method: clinical testing. Allele origin: germline.
Comment: This sequence change affects codon 145 of the BBS4 mRNA. It is a 'silent' change, meaning that it does not change the encoded amino acid sequence of the BBS4 protein. This variant is present in population databases (no rsID available, gnomAD 0.003%). This variant has not been reported in the literature in individuals affected with BBS4-related conditions. Algorithms developed to predict the effect of sequence changes on RNA splicing suggest that this variant may disrupt the consensus splice site. In summary, the available evidence is currently insufficient to determine the role of this variant in disease. Therefore, it has been classified as a Variant of Uncertain Significance.